The following is an entry in ClinVar:

NM_000138.5(FBN1):c.827G>A (p.Gly276Glu)

Gene: FBN1 (fibrillin 1; minus strand). Cytogenetic location: 15q21.1.
Variant type: single nucleotide variant.
Coding change: c.827G>A on transcript NM_000138.5 (MANE Select); coding-DNA position 827, G replaced by A.
Protein change: p.Gly276Glu; replaces glycine 276 with glutamic acid.
Molecular consequence: missense variant.
Genome position (GRCh38, 1-based): chr15:48,534,115, C>T on the plus strand (G>A on the coding strand, the complement: FBN1 is on the minus strand). VCF-style: chr15-48534115-C-T. GRCh37 (hg19) VCF-style: chr15-48826312-C-T.
Other names: c.827G>A, p.Gly276Glu (NM_001406716.1, NM_001406717.1); short protein forms G276E.
Identifiers: ClinVar variation 3072215 (VCV003072215.1), dbSNP rs534859193, ClinGen allele CA059889.

ClinVar aggregate classification (germline): Uncertain significance (1 of 4 stars; one submission).

Conditions:
Marfan syndrome (MFS). Also called: MARFAN SYNDROME, TYPE I; Marfan syndrome type 1; Marfan's syndrome; Marfan syndrome, classic; FBN1-Related Marfan Syndrome. Identifiers: Orphanet 284963, Orphanet 558, MedGen C0024796, MONDO:0007947, OMIM 154700.

Allele frequency attached by ClinVar (database versions not stated): 1000 Genomes Project 30x 0.00016; 1000 Genomes Project 0.00020; ExAC 0.00001.
gnomAD v4.1: 1 of 1,613,522 alleles (0.000062%); highest among the groups gnomAD compares: African/African-American, 0.0013%; no homozygotes.

Submission:

All of Us Research Program, National Institutes of Health
Classification: Uncertain significance for Marfan syndrome. Last evaluated: 2023-06-26. Review status: criteria provided, single submitter. Criteria: ACMG Guidelines, 2015. Collection method: clinical testing. Allele origin: germline. Inheritance: Autosomal dominant inheritance. Observed: 1 variant allele, 1 heterozygote.
Comment: This missense variant replaces glycine with glutamic acid at codon 276 of the FBN1 protein. Computational prediction suggests that this variant may have deleterious impact on protein structure and function (internally defined REVEL score threshold >= 0.7, PMID: 27666373). To our knowledge, functional studies have not been reported for this variant. This variant has not been reported in individuals affected with FBN1-related disorders in the literature. This variant has been identified in 1/251468 chromosomes in the general population by the Genome Aggregation Database (gnomAD). The available evidence is insufficient to determine the role of this variant in disease conclusively. Therefore, this variant is classified as a Variant of Uncertain Significance.

This study involves interpretation of variants in research participants for the purpose of population health screening. Participant phenotype was not available at the time of variant classification. Additional details can be found in publication PMID: 35346344, PMCID: PMC8962531